The following is an entry in ClinVar:

NM_003172.4(SURF1):c.575G>C (p.Arg192Pro)

Gene: SURF1 (SURF1 cytochrome c oxidase assembly factor; minus strand). Cytogenetic location: 9q34.2.
Variant type: single nucleotide variant.
Coding change: c.575G>C on transcript NM_003172.4 (MANE Select); coding-DNA position 575, G replaced by C.
Protein change: p.Arg192Pro; replaces arginine 192 with proline.
Molecular consequence: missense variant.
Genome position (GRCh38, 1-based): chr9:133,352,707, C>G on the plus strand (G>C on the coding strand, the complement: SURF1 is on the minus strand). VCF-style: chr9-133352707-C-G. GRCh37 (hg19) VCF-style: chr9-136219562-C-G.
Other names: c.248G>C, p.Arg83Pro (NM_001280787.1); short protein forms R192P, R83P.
Identifiers: ClinVar variation 4773815 (VCV004773815.1).

ClinVar aggregate classification (germline): Likely pathogenic (1 of 4 stars; one submission).

Conditions:
Leigh syndrome (NULS). Also called: Leigh's syndrome; Leigh Disease; Subacute necrotizing encephalopathy; Necrotizing encephalopathy infantile subacute of Leigh; LEIGH SYNDROME, NUCLEAR; Leigh's necrotizing encephalopathy. Identifiers: Orphanet 506, MedGen C2931891, MONDO:0009723, OMIM 256000.

Submission:

Labcorp Genetics (formerly Invitae), Labcorp
Classification: Likely pathogenic for Leigh syndrome. Last evaluated: 2025-10-02. Review status: criteria provided, single submitter. Criteria: Invitae Variant Classification Sherloc (09022015). Collection method: clinical testing. Allele origin: germline.
Comment: This sequence change replaces arginine, which is basic and polar, with proline, which is neutral and non-polar, at codon 192 of the SURF1 protein (p.Arg192Pro). This variant is not present in population databases (gnomAD no frequency). This variant has not been reported in the literature in individuals affected with SURF1-related conditions. Invitae Evidence Modeling of protein sequence and biophysical properties (such as structural, functional, and spatial information, amino acid conservation, physicochemical variation, residue mobility, and thermodynamic stability) indicates that this missense variant is expected to disrupt SURF1 protein function with a positive predictive value of 95%. This variant disrupts the p.Arg192 amino acid residue in SURF1. Other variant(s) that disrupt this residue have been determined to be pathogenic (PMID: 12515039, 19780766, 24027061, 27896082; internal data). This suggests that this residue is clinically significant, and that variants that disrupt this residue are likely to be disease-causing. In summary, the currently available evidence indicates that the variant is pathogenic, but additional data are needed to prove that conclusively. Therefore, this variant has been classified as Likely Pathogenic.

Literature cited by the submitters: PubMed 12515039; PubMed 19780766; PubMed 24027061; PubMed 27896082.